The following is an entry in ClinVar:

ClinVar aggregate classification (germline): Uncertain significance (1 of 4 stars; one submission).

Allele frequency attached by ClinVar (database versions not stated): gnomAD exomes 0.00001; ExAC 0.00002; TOPMed 0.00002; gnomAD 0.00003 and 0.00004.
gnomAD v4.1: 14 of 1,614,048 alleles (0.00087%); highest among the groups gnomAD compares: African/African-American, 0.008%; no homozygotes.

Submission:

Labcorp Genetics (formerly Invitae), Labcorp
Classification: Uncertain significance. Last evaluated: 2022-09-06. Review status: criteria provided, single submitter. Criteria: Invitae Variant Classification Sherloc (09022015). Collection method: clinical testing. Allele origin: germline.
Comment: This sequence change replaces glycine, which is neutral and non-polar, with arginine, which is basic and polar, at codon 50 of the DHX38 protein (p.Gly50Arg). This variant is present in population databases (rs777467018, gnomAD 0.02%). This variant has not been reported in the literature in individuals affected with DHX38-related conditions. ClinVar contains an entry for this variant (Variation ID: 1381905). Algorithms developed to predict the effect of missense changes on protein structure and function are either unavailable or do not agree on the potential impact of this missense change (SIFT: "Deleterious"; PolyPhen-2: "Probably Damaging"; Align-GVGD: "Class C15"). Algorithms developed to predict the effect of sequence changes on RNA splicing suggest that this variant may create or strengthen a splice site. In summary, the available evidence is currently insufficient to determine the role of this variant in disease. Therefore, it has been classified as a Variant of Uncertain Significance.

NM_014003.4(DHX38):c.148G>A (p.Gly50Arg)

Gene: DHX38 (DEAH-box helicase 38; plus strand). Cytogenetic location: 16q22.2.
Variant type: single nucleotide variant.
Coding change: c.148G>A on transcript NM_014003.4 (MANE Select); coding-DNA position 148, G replaced by A.
Protein change: p.Gly50Arg; replaces glycine 50 with arginine.
Molecular consequence: missense variant.
Genome position (GRCh38, 1-based): chr16:72,096,305, G>A. VCF-style: chr16-72096305-G-A. GRCh37 (hg19) VCF-style: chr16-72130204-G-A.
Other names: short protein forms G50R.
Identifiers: ClinVar variation 1381905 (VCV001381905.3), dbSNP rs777467018, ClinGen allele CA8159883.